The following is an entry in ClinVar:

ClinVar aggregate classification (germline): Uncertain significance (1 of 4 stars; one submission).

Conditions:
Polyglandular autoimmune syndrome, type 1 (APS1). Also called: AUTOIMMUNE POLYENDOCRINE SYNDROME, TYPE I, WITH OR WITHOUT REVERSIBLE METAPHYSEAL DYSPLASIA; HYPOADRENOCORTICISM WITH HYPOPARATHYROIDISM AND SUPERFICIAL MONILIASIS; Autoimmune polyendocrine syndrome type 1; Autoimmune polyendocrinopathy syndrome, type I; PGA I; Whitaker syndrome. Identifiers: Orphanet 3453, MedGen C0085859, MONDO:0009411, OMIM 240300.

gnomAD v4.1: 1 of 1,612,700 alleles (0.000062%); highest among the groups gnomAD compares: Non-Finnish European, 0.000085%; no homozygotes.

Submission:

Labcorp Genetics (formerly Invitae), Labcorp
Classification: Uncertain significance for Polyglandular autoimmune syndrome, type 1. Last evaluated: 2025-09-04. Review status: criteria provided, single submitter. Criteria: Invitae Variant Classification Sherloc (09022015). Collection method: clinical testing. Allele origin: germline.
Comment: This sequence change replaces leucine, which is neutral and non-polar, with valine, which is neutral and non-polar, at codon 106 of the AIRE protein (p.Leu106Val). This variant is not present in population databases (gnomAD no frequency). This variant has not been reported in the literature in individuals affected with AIRE-related conditions. Invitae Evidence Modeling of protein sequence and biophysical properties (such as structural, functional, and spatial information, amino acid conservation, physicochemical variation, residue mobility, and thermodynamic stability) has been performed for this missense variant. However, the output from this modeling did not meet the statistical confidence thresholds required to predict the impact of this variant on AIRE protein function. In summary, the available evidence is currently insufficient to determine the role of this variant in disease. Therefore, it has been classified as a Variant of Uncertain Significance.

NM_000383.4(AIRE):c.316C>G (p.Leu106Val)

Gene: AIRE (autoimmune regulator; plus strand). Cytogenetic location: 21q22.3.
Variant type: single nucleotide variant.
Coding change: c.316C>G on transcript NM_000383.4 (MANE Select); coding-DNA position 316, C replaced by G.
Protein change: p.Leu106Val; replaces leucine 106 with valine.
Molecular consequence: missense variant.
Genome position (GRCh38, 1-based): chr21:44,286,986, C>G. VCF-style: chr21-44286986-C-G. GRCh37 (hg19) VCF-style: chr21-45706869-C-G.
Other names: short protein forms L106V.
Identifiers: ClinVar variation 4704688 (VCV004704688.1).